The following is an entry in ClinVar:

NM_007294.4(BRCA1):c.5332+716C>T

Gene: BRCA1 (BRCA1 DNA repair associated; minus strand). Cytogenetic location: 17q21.31.
Variant type: single nucleotide variant.
Coding change: c.5332+716C>T on transcript NM_007294.4 (MANE Select); 716 bases into the intron after coding-DNA position 5332, C replaced by T.
Molecular consequence: intron variant.
Genome position (GRCh38, 1-based): chr17:43,050,347, G>A on the plus strand (C>T on the coding strand, the complement: BRCA1 is on the minus strand). VCF-style: chr17-43050347-G-A. GRCh37 (hg19) VCF-style: chr17-41202364-G-A.
Other names: c.5254+716C>T (NM_001407653.1, NM_001407654.1, NM_001407652.1 and 1 more transcripts); c.4993+716C>T (NM_001407958.1, NM_001407957.1, NM_001407956.1); c.4996+716C>T (NM_001407955.1, NM_001407954.1, NM_001407951.1 and 3 more transcripts); c.1807+716C>T (NM_001408493.1, NM_001408492.1); c.1810+716C>T (NM_001408490.1, NM_001408489.1, NM_001408482.1 and 5 more transcripts); c.5191+716C>T (NM_001407694.1, NM_001407696.1, NM_001407728.1 and 13 more transcripts); c.1756+716C>T (NM_001408502.1, NM_001408504.1, NM_001408503.1); c.4999+716C>T (NM_001407946.1, NM_001407949.1, NM_001407948.1 and 1 more transcripts); and 74 more.
Identifiers: ClinVar variation 3481908 (VCV003481908.1).
Genomic context (GRCh38, chr17:43,050,347, plus strand): 5'-TATTAAGTGTCAAGTTTAATTAGAAAATGTTCATGGAGAGGGCTGGGCACAGTGGCTCAT[G>A]CCTGTAATCCTAGCACTTTGGGAGGCTGAGGCGGGTGGATCACGAGGTCAGGAGATCGGG-3'

ClinVar aggregate classification (germline): Uncertain significance (1 of 4 stars; one submission).

Conditions:
Hereditary cancer-predisposing syndrome. Also called: Tumor predisposition; Neoplastic Syndromes, Hereditary; Hereditary Cancer Syndrome; Hereditary neoplastic syndrome. Identifiers: Orphanet 140162, MedGen C0027672, MeSH D009386, MONDO:0015356.

Submission:

Ambry Genetics
Classification: Uncertain significance for Hereditary cancer-predisposing syndrome. Last evaluated: 2024-12-03. Review status: criteria provided, single submitter. Criteria: Ambry Variant Classification Scheme 2023. Collection method: clinical testing. Allele origin: germline.
Comment: The c.5332+716C>T intronic variant results from a C to T substitution 716 nucleotides after coding exon 19 in the BRCA1 gene. This nucleotide position is conserved on limited sequence alignment. In silico splice site analysis predicts that this alteration will result in the creation or strengthening of a novel splice donor site; however, direct evidence is insufficient at this time (Ambry internal data). Based on the available evidence, the clinical significance of this variant remains unclear.